The following is an entry in ClinVar:

NM_001103.4(ACTN2):c.241+2T>C

Gene: ACTN2 (actinin alpha 2; plus strand). Cytogenetic location: 1q43.
Variant type: single nucleotide variant.
Coding change: c.241+2T>C on transcript NM_001103.4 (MANE Select); the canonical splice donor site of the intron after coding-DNA position 241, T replaced by C.
Molecular consequence: splice donor variant.
Genome position (GRCh38, 1-based): chr1:236,717,974, T>C. VCF-style: chr1-236717974-T-C. GRCh37 (hg19) VCF-style: chr1-236881274-T-C.
Other names: c.241+2T>C (NM_001278343.2).
Identifiers: ClinVar variation 956429 (VCV000956429.8), dbSNP rs1278815500, ClinGen allele CA345373438.

ClinVar aggregate classification (germline): Uncertain significance (1 of 4 stars; one submission).

Conditions:
Primary familial hypertrophic cardiomyopathy (HCM). Identifiers: Orphanet 99739, MedGen C0949658, MeSH D024741, MONDO:0024573. Inheritance: Various modes of inheritance.
Dilated cardiomyopathy 1AA (CMD1AA). Also called: CARDIOMYOPATHY, DILATED, 1AA, WITH OR WITHOUT LEFT VENTRICULAR NONCOMPACTION; CARDIOMYOPATHY, FAMILIAL HYPERTROPHIC, 23, WITH OR WITHOUT LEFT VENTRICULAR NONCOMPACTION; Cardiomyopathy, dilated, 1AA, with or without LVNC. Identifiers: Orphanet 154, MedGen C2677338, MONDO:0012808, OMIM 612158.

Allele frequency attached by ClinVar (database versions not stated): gnomAD exomes below 0.00001; TOPMed below 0.00001; gnomAD 0.00001.
gnomAD v4.1: 3 of 1,608,304 alleles (0.00019%); highest among the groups gnomAD compares: Non-Finnish European, 0.00026%; no homozygotes.

Submission:

Labcorp Genetics (formerly Invitae), Labcorp
Classification: Uncertain significance for Primary familial hypertrophic cardiomyopathy; Dilated cardiomyopathy 1AA. Last evaluated: 2024-02-22. Review status: criteria provided, single submitter. Criteria: Invitae Variant Classification Sherloc (09022015). Collection method: clinical testing. Allele origin: germline.
Comment: This sequence change affects a donor splice site in intron 2 of the ACTN2 gene. It is expected to disrupt RNA splicing. Variants that disrupt the donor or acceptor splice site typically lead to a loss of protein function (PMID: 16199547), however the current clinical and genetic evidence is not sufficient to establish whether loss-of-function variants in ACTN2 cause disease. This variant is not present in population databases (gnomAD no frequency). This variant has not been reported in the literature in individuals affected with ACTN2-related conditions. ClinVar contains an entry for this variant (Variation ID: 956429). Algorithms developed to predict the effect of sequence changes on RNA splicing suggest that this variant may disrupt the consensus splice site. In summary, the available evidence is currently insufficient to determine the role of this variant in disease. Therefore, it has been classified as a Variant of Uncertain Significance.

Literature cited by the submitters: PubMed 16199547.